The following is an entry in ClinVar:

NM_000541.5(SAG):c.1003G>A (p.Val335Met)

Gene: SAG (S-antigen visual arrestin; plus strand). Cytogenetic location: 2q37.1.
Variant type: single nucleotide variant.
Coding change: c.1003G>A on transcript NM_000541.5 (MANE Select); coding-DNA position 1003, G replaced by A.
Protein change: p.Val335Met; replaces valine 335 with methionine.
Molecular consequence: missense variant.
Genome position (GRCh38, 1-based): chr2:233,338,734, G>A. VCF-style: chr2-233338734-G-A. GRCh37 (hg19) VCF-style: chr2-234247380-G-A.
Other names: short protein forms V335M.
Identifiers: ClinVar variation 4882003 (VCV004882003.2).

ClinVar aggregate classification (germline): Uncertain significance (1 of 4 stars; one submission).

Conditions:
Retinitis pigmentosa 96 (RP96). Also called: Retinitis pigmentosa 96, autosomal dominant. Identifiers: MedGen C5774303, MONDO:0859367, OMIM 620228.

Submission:

Dasa
Classification: Uncertain significance for Retinitis pigmentosa 96. Last evaluated: 2025-08-25. Review status: criteria provided, single submitter. Criteria: DASA Assertion Criteria. Collection method: clinical testing. Allele origin: germline.
Comment: NM_000541.5(SAG):c.1003G>A (p.Val335Met) is a missense variant that results in the substitution of valine with methionine. This variant is absent from population databases. The currently available literature and clinical evidence are not sufficient to establish a definitive association between this variant and the reported condition. Therefore, this variant is classified as a variant of uncertain significance.